The following is an entry in ClinVar:

NM_001017420.3(ESCO2):c.1611A>T (p.Arg537Ser)

Gene: ESCO2 (establishment of sister chromatid cohesion N-acetyltransferase 2; plus strand). Cytogenetic location: 8p21.1.
Variant type: single nucleotide variant.
Coding change: c.1611A>T on transcript NM_001017420.3 (MANE Select); coding-DNA position 1611, A replaced by T.
Protein change: p.Arg537Ser; replaces arginine 537 with serine.
Molecular consequence: missense variant.
Genome position (GRCh38, 1-based): chr8:27,799,654, A>T. VCF-style: chr8-27799654-A-T. GRCh37 (hg19) VCF-style: chr8-27657171-A-T.
Other names: short protein forms R537S.
Identifiers: ClinVar variation 2183202 (VCV002183202.1), dbSNP rs775086444, ClinGen allele CA4692357.

ClinVar aggregate classification (germline): Uncertain significance (1 of 4 stars; one submission).

Allele frequency attached by ClinVar (database versions not stated): gnomAD exomes below 0.00001; TOPMed below 0.00001; ExAC 0.00001; gnomAD 0.00001.

Submission:

Labcorp Genetics (formerly Invitae), Labcorp
Classification: Uncertain significance. Last evaluated: 2022-07-29. Review status: criteria provided, single submitter. Criteria: Invitae Variant Classification Sherloc (09022015). Collection method: clinical testing. Allele origin: germline.
Comment: This sequence change replaces arginine, which is basic and polar, with serine, which is neutral and polar, at codon 537 of the ESCO2 protein (p.Arg537Ser). This variant is present in population databases (rs775086444, gnomAD 0.002%). This variant has not been reported in the literature in individuals affected with ESCO2-related conditions. Algorithms developed to predict the effect of missense changes on protein structure and function (SIFT, PolyPhen-2, Align-GVGD) all suggest that this variant is likely to be disruptive. In summary, the available evidence is currently insufficient to determine the role of this variant in disease. Therefore, it has been classified as a Variant of Uncertain Significance.